The following is an entry in ClinVar:

NM_000548.5(TSC2):c.559A>C (p.Asn187His)

Gene: TSC2 (TSC complex subunit 2; plus strand). Cytogenetic location: 16p13.3.
Variant type: single nucleotide variant.
Coding change: c.559A>C on transcript NM_000548.5 (MANE Select); coding-DNA position 559, A replaced by C.
Protein change: p.Asn187His; replaces asparagine 187 with histidine.
Molecular consequence: missense variant. On other transcripts: intron variant (1).
Genome position (GRCh38, 1-based): chr16:2,055,479, A>C. VCF-style: chr16-2055479-A-C. GRCh37 (hg19) VCF-style: chr16-2105480-A-C.
Other names: c.559A>C, p.Asn187His (NM_001077183.3, NM_001114382.3, NM_001363528.2 and 8 more transcripts); c.448A>C, p.Asn150His (NM_001318827.2, NM_001406670.1, NM_001406678.1); c.412A>C, p.Asn138His (NM_001318829.2, NM_001406675.1, NM_001406676.1 and 1 more transcripts); c.592A>C, p.Asn198His (NM_001318832.2); c.649A>C, p.Asn217His (NM_001406667.1, NM_001406668.1); c.502A>C, p.Asn168His (NM_001406677.1); c.-258A>C (NM_001406680.1, NM_001406683.1, NM_001406687.1); c.97A>C, p.Asn33His (NM_001406681.1); and 6 more; short protein forms N138H, N168H, N187H, N150H, N217H, N33H, N198H.
Identifiers: ClinVar variation 1748522 (VCV001748522.2), dbSNP rs2151060666, ClinGen allele CA394309562.

ClinVar aggregate classification (germline): Uncertain significance (1 of 4 stars; one submission).

Conditions:
Hereditary cancer-predisposing syndrome. Also called: Hereditary Cancer Syndrome; Hereditary neoplastic syndrome; Neoplastic Syndromes, Hereditary; Tumor predisposition. Identifiers: Orphanet 140162, MedGen C0027672, MeSH D009386, MONDO:0015356.

Submission:

Ambry Genetics
Classification: Uncertain significance for Hereditary cancer-predisposing syndrome. Last evaluated: 2022-05-26. Review status: criteria provided, single submitter. Criteria: Ambry Variant Classification Scheme 2023. Collection method: clinical testing. Allele origin: germline.
Comment: The p.N187H variant (also known as c.559A>C), located in coding exon 5 of the TSC2 gene, results from an A to C substitution at nucleotide position 559. The asparagine at codon 187 is replaced by histidine, an amino acid with similar properties. This amino acid position is conserved. In addition, the in silico prediction for this alteration is inconclusive. Since supporting evidence is limited at this time, the clinical significance of this alteration remains unclear.